The following is an entry in ClinVar:

ClinVar aggregate classification (germline): Uncertain significance. Review status: criteria provided, multiple submitters, no conflicts (2 of 4 stars). 3 submissions from 3 submitters: Uncertain significance (2). 1 of the submissions does not count toward it. Last evaluated 2025-10-21.

Conditions:
Polycystic kidney disease, adult type (PKD1). Also called: Polycystic Kidney Disease 1, Autosomal Dominant; Polycystic kidney disease 1; Polycystic kidney disease 1, severe; POLYCYSTIC KIDNEY DISEASE 1 WITH OR WITHOUT POLYCYSTIC LIVER DISEASE; Polycystic Kidney, Autosomal Dominant; POLYCYSTIC KIDNEY DISEASE, ADULT, TYPE I. Identifiers: MedGen C3149841, MONDO:0008263, OMIM 173900.

Allele frequency attached by ClinVar (database versions not stated): gnomAD exomes below 0.00001.
gnomAD v4.1: 1 of 1,609,472 alleles (0.000062%); highest among the groups gnomAD compares: Non-Finnish European, 0.000085%; no homozygotes.

Submissions (3):

Women's Health and Genetics/Laboratory Corporation of America, LabCorp
Classification: Uncertain significance. Last evaluated: 2025-10-21. Review status: criteria provided, single submitter. Criteria: LabCorp Variant Classification Summary - May 2015. Collection method: clinical testing. Allele origin: germline.
Comment: Variant summary: PKD1 c.1286G>T (p.Trp429Leu) results in a non-conservative amino acid change in the encoded protein sequence. Algorithms developed to predict the effect of missense changes on protein structure and function are either unavailable or do not agree on the potential impact of this missense change. The variant was absent in 216282 control chromosomes. The available data on variant occurrences in the general population are insufficient to allow any conclusion about variant significance. c.1286G>T has been observed in individuals affected with polycystic kidney disease (Hwang_2016, Borrs_2017, Groopman_2018). These reports do not provide unequivocal conclusions about association of the variant with PKD1-Biallelic Autosomal Recessive Polycystic Kidney Disease. To our knowledge, no experimental evidence demonstrating an impact on protein function has been reported. The following publications have been ascertained in the context of this evaluation (PMID: 28378423, 30586318, 26453610). ClinVar contains an entry for this variant (Variation ID: 562303). Based on the evidence outlined above, the variant was classified as uncertain significance.

Department of Pathology and Laboratory Medicine, Sinai Health System
Classification: Uncertain significance for Polycystic kidney disease, adult type. Last evaluated: 2024-05-13. Review status: criteria provided, single submitter. Criteria: ACMG Guidelines, 2015. Collection method: clinical testing. Allele origin: germline. Affected: yes.

Gharavi Laboratory, Columbia University
Classification: Pathogenic. Last evaluated: 2018-09-16. Review status: no assertion criteria provided. Criteria: ACMG Guidelines, 2015. Collection method: research. Allele origin: germline. Affected: yes. Not counted in ClinVar's aggregate classification.

Literature cited by the submitters: PubMed 30586318 (cited by Women's Health and Genetics/Laboratory Corporation of America, LabCorp); PubMed 26453610 (cited by Women's Health and Genetics/Laboratory Corporation of America, LabCorp and Department of Pathology and Laboratory Medicine, Sinai Health System); PubMed 28378423 (cited by Women's Health and Genetics/Laboratory Corporation of America, LabCorp and Department of Pathology and Laboratory Medicine, Sinai Health System).

NM_001009944.3(PKD1):c.1286G>T (p.Trp429Leu)

Gene: PKD1 (polycystin 1, transient receptor potential channel interacting; minus strand). Cytogenetic location: 16p13.3.
Variant type: single nucleotide variant.
Coding change: c.1286G>T on transcript NM_001009944.3 (MANE Select); coding-DNA position 1286, G replaced by T.
Protein change: p.Trp429Leu; replaces tryptophan 429 with leucine.
Molecular consequence: missense variant.
Genome position (GRCh38, 1-based): chr16:2,117,588, C>A on the plus strand (G>T on the coding strand, the complement: PKD1 is on the minus strand). VCF-style: chr16-2117588-C-A. GRCh37 (hg19) VCF-style: chr16-2167589-C-A.
Other names: c.1286G>T (NM_001009944.2); c.1286G>T, p.Trp429Leu (NM_000296.4); short protein forms W429L.
Identifiers: ClinVar variation 562303 (VCV000562303.3), dbSNP rs1567216472, ClinGen allele CA394392651.